The following is an entry in ClinVar:

ClinVar aggregate classification (germline): Uncertain significance (1 of 4 stars; one submission).

Conditions:
Hyperphosphatasia with impaired intellectual development syndrome 2. Also called: Hyperphosphatasia with intellectual disability syndrome 2; GLYCOSYLPHOSPHATIDYLINOSITOL BIOSYNTHESIS DEFECT 6. Identifiers: Orphanet 247262, MedGen C3553637, MONDO:0013882, OMIM 614749.

Allele frequency attached by ClinVar (database versions not stated): gnomAD exomes below 0.00001.
gnomAD v4.1: 1 of 1,614,220 alleles (0.000062%); highest among the groups gnomAD compares: South Asian, 0.0011%; no homozygotes.

Submission:

Labcorp Genetics (formerly Invitae), Labcorp
Classification: Uncertain significance for Hyperphosphatasia with impaired intellectual development syndrome 2. Last evaluated: 2022-09-01. Review status: criteria provided, single submitter. Criteria: Invitae Variant Classification Sherloc (09022015). Collection method: clinical testing. Allele origin: germline.
Comment: This sequence change replaces isoleucine, which is neutral and non-polar, with methionine, which is neutral and non-polar, at codon 1033 of the PIGO protein (p.Ile1033Met). This variant is not present in population databases (gnomAD no frequency). This variant has not been reported in the literature in individuals affected with PIGO-related conditions. ClinVar contains an entry for this variant (Variation ID: 649301). Algorithms developed to predict the effect of missense changes on protein structure and function are either unavailable or do not agree on the potential impact of this missense change (SIFT: "Tolerated"; PolyPhen-2: "Possibly Damaging"; Align-GVGD: "Class C0"). In summary, the available evidence is currently insufficient to determine the role of this variant in disease. Therefore, it has been classified as a Variant of Uncertain Significance.

NM_032634.4(PIGO):c.3099C>G (p.Ile1033Met)

Gene: PIGO (phosphatidylinositol glycan anchor biosynthesis class O; minus strand). Cytogenetic location: 9p13.3.
Variant type: single nucleotide variant.
Coding change: c.3099C>G on transcript NM_032634.4 (MANE Select); coding-DNA position 3099, C replaced by G.
Protein change: p.Ile1033Met; replaces isoleucine 1033 with methionine.
Molecular consequence: missense variant.
Genome position (GRCh38, 1-based): chr9:35,089,421, G>C on the plus strand (C>G on the coding strand, the complement: PIGO is on the minus strand). VCF-style: chr9-35089421-G-C. GRCh37 (hg19) VCF-style: chr9-35089418-G-C.
Other names: c.1848C>G, p.Ile616Met (NM_001201484.2, NM_152850.4); short protein forms I1033M, I616M.
Identifiers: ClinVar variation 649301 (VCV000649301.8), dbSNP rs1587155827, ClinGen allele CA373317359.